The following is an entry in ClinVar:

ClinVar aggregate classification (germline): Uncertain significance (1 of 4 stars; one submission).

Submission:

Women's Health and Genetics/Laboratory Corporation of America, LabCorp
Classification: Uncertain significance. Last evaluated: 2025-12-17. Review status: criteria provided, single submitter. Criteria: LabCorp Variant Classification Summary - May 2015. Collection method: clinical testing. Allele origin: germline.
Comment: Variant summary: TTN c.83848_83850delAGA (p.Arg27950del) results in an in-frame deletion that is predicted to remove 1 amino acid from the encoded protein. The variant was absent in 246834 control chromosomes. The available data on variant occurrences in the general population are insufficient to allow any conclusion about variant significance. To our knowledge, no occurrence of c.83848_83850delAGA in individuals affected with TTN-related conditions and no experimental evidence demonstrating its impact on protein function have been reported. No submitters have cited clinical-significance assessments for this variant to ClinVar. Based on the evidence outlined above, the variant was classified as uncertain significance.

NM_001267550.2(TTN):c.91552_91554del (p.Arg30518del)

Genes: TTN (titin; minus strand), TTN-AS1 (TTN antisense RNA 1; plus strand). Cytogenetic location: 2q31.2.
Variant type: Deletion.
Coding change: c.91552_91554del on transcript NM_001267550.2 (MANE Select); coding-DNA positions 91552 to 91554, 3 bases deleted (AGA; older notation c.91552_91554delAGA).
Protein change: p.Arg30518del; deletes arginine 30518.
Molecular consequence: inframe deletion.
Genome position (GRCh38, 1-based): chr2:178,550,977-178,550,979, TCT deleted on the plus strand (AGA on the coding strand, the reverse complement: TTN is on the minus strand); deleting any 3 consecutive bases within chr2:178,550,977-178,550,980 gives the same sequence; the c. name uses the placement nearest the transcript's 3' end. VCF-style (leftmost placement, unchanged base first): chr2-178550976-CTCT-C. GRCh37 (hg19) VCF-style: chr2-179415703-CTCT-C.
Other names: c.86629_86631del, p.Arg28877del (NM_001256850.1); c.64357_64359del, p.Arg21453del (NM_003319.4); c.83848_83850del, p.Arg27950del (NM_133378.4); c.64732_64734del, p.Arg21578del (NM_133432.3); c.64933_64935del, p.Arg21645del (NM_133437.4); c.83848_83850delAGA (NM_133378.4); short protein forms R21453del, R21578del, R21645del, R27950del, R28877del, R30518del.
Identifiers: ClinVar variation 4688239 (VCV004688239.1).
Genomic context (GRCh38, chr2:178,550,976, plus strand): 5'-TAAAAATGTGAATGCTCTTAGTCTCATTGGAAATAAGTTGTAAATGCTTACCATTTTCAT[CTCT>C]TGTCATAATAATGCCAGAAGACTGTGAGGGCGGGCTTATAGTTCCAACAGCATTTCTTGC-3'